The following is an entry in ClinVar:

NM_001267550.2(TTN):c.65766G>C (p.Glu21922Asp)

Genes: TTN (titin; minus strand), TTN-AS1 (TTN antisense RNA 1; plus strand). Cytogenetic location: 2q31.2.
Variant type: single nucleotide variant.
Coding change: c.65766G>C on transcript NM_001267550.2 (MANE Select); coding-DNA position 65766, G replaced by C.
Protein change: p.Glu21922Asp; replaces glutamic acid 21922 with aspartic acid.
Molecular consequence: missense variant. On other transcripts: non-coding transcript variant (1).
Genome position (GRCh38, 1-based): chr2:178,583,037, C>G on the plus strand (G>C on the coding strand, the complement: TTN is on the minus strand). VCF-style: chr2-178583037-C-G. GRCh37 (hg19) VCF-style: chr2-179447764-C-G.
Other names: c.60843G>C, p.Glu20281Asp (NM_001256850.1); c.38571G>C, p.Glu12857Asp (NM_003319.4); c.58062G>C, p.Glu19354Asp (NM_133378.4); c.38946G>C, p.Glu12982Asp (NM_133432.3); c.39147G>C, p.Glu13049Asp (NM_133437.4); short protein forms E12857D, E12982D, E13049D, E19354D, E20281D, E21922D.
Identifiers: ClinVar variation 2637082 (VCV002637082.1), dbSNP rs1575946772, ClinGen allele CA349432758.
Genomic context (GRCh38, chr2:178,583,037, plus strand): 5'-ACTTGAATTTTCAGCAGTAATGGTATAGTCTCCTGAGTCCTTCCGGTTCACGCTGAATAG[C>G]TCCAAGGTGCACAGATTCCGCTGCATGGCCATCTTTATGCCTTCTGCTGGTTTTAGCAGT-3'
Protein context (NP_001254479.2, residues 21912-21932): MAMQRNLCTL[Glu21922Asp]LFSVNRKDSG

ClinVar aggregate classification (germline): Uncertain significance (1 of 4 stars; one submission).

Conditions:
TTN-related disorder. Also called: TTN-related condition; TTN-related disease; TTN-related disorders.

Submission:

PreventionGenetics, part of Exact Sciences
Classification: Uncertain significance for TTN-related condition. Last evaluated: 2022-09-26. Review status: criteria provided, single submitter. Criteria: ACMG Guidelines, 2015. Collection method: clinical testing. Allele origin: germline.
Comment: The TTN c.65766G>C variant is predicted to result in the amino acid substitution p.Glu21922Asp. To our knowledge, this variant has not been reported in the literature or in a large population database, indicating this variant is rare. At this time, the clinical significance of this variant is uncertain due to the absence of conclusive functional and genetic evidence.